The following is an entry in ClinVar:

NM_032816.5(CEP89):c.452G>T (p.Gly151Val)

Gene: CEP89 (centrosomal protein 89; minus strand). Cytogenetic location: 19q13.11.
Variant type: single nucleotide variant.
Coding change: c.452G>T on transcript NM_032816.5 (MANE Select); coding-DNA position 452, G replaced by T.
Protein change: p.Gly151Val; replaces glycine 151 with valine.
Molecular consequence: missense variant.
Genome position (GRCh38, 1-based): chr19:32,953,655, C>A on the plus strand (G>T on the coding strand, the complement: CEP89 is on the minus strand). VCF-style: chr19-32953655-C-A. GRCh37 (hg19) VCF-style: chr19-33444561-C-A.
Other names: short protein forms G151V.
Identifiers: ClinVar variation 1962616 (VCV001962616.5), dbSNP rs746138594, ClinGen allele CA9359675.

ClinVar aggregate classification (germline): Uncertain significance (1 of 4 stars; one submission).

Allele frequency attached by ClinVar (database versions not stated): gnomAD exomes below 0.00001; TOPMed 0.00001; ExAC 0.00002.
gnomAD v4.1: 3 of 1,613,928 alleles (0.00019%); highest among the groups gnomAD compares: Non-Finnish European, 0.00025%; no homozygotes.

Submission:

Labcorp Genetics (formerly Invitae), Labcorp
Classification: Uncertain significance. Last evaluated: 2022-08-23. Review status: criteria provided, single submitter. Criteria: Invitae Variant Classification Sherloc (09022015). Collection method: clinical testing. Allele origin: germline.
Comment: This sequence change replaces glycine, which is neutral and non-polar, with valine, which is neutral and non-polar, at codon 151 of the CEP89 protein (p.Gly151Val). The frequency data for this variant in the population databases is considered unreliable, as metrics indicate poor data quality at this position in the gnomAD database. This variant has not been reported in the literature in individuals affected with CEP89-related conditions. Algorithms developed to predict the effect of missense changes on protein structure and function (SIFT, PolyPhen-2, Align-GVGD) all suggest that this variant is likely to be tolerated. In summary, the available evidence is currently insufficient to determine the role of this variant in disease. Therefore, it has been classified as a Variant of Uncertain Significance.